The following is an entry in ClinVar:

ClinVar aggregate classification (germline): Uncertain significance (1 of 4 stars; one submission).

Conditions:
Immunodeficiency 35 (IMD35). Also called: TYK2 DEFICIENCY; Susceptibility to infection due to TYK2 deficiency; HIES WITH ATYPICAL MYCOBACTERIOSIS, AUTOSOMAL RECESSIVE; HYPER-IgE SYNDROME WITH ATYPICAL MYCOBACTERIOSIS, AUTOSOMAL RECESSIVE. Identifiers: Orphanet 331226, MedGen C1969086, MONDO:0012682, OMIM 611521.

Allele frequency attached by ClinVar (database versions not stated): gnomAD exomes 0.00001.
gnomAD v4.1: 7 of 1,611,436 alleles (0.00043%); highest among the groups gnomAD compares: Non-Finnish European, 0.00059%; no homozygotes.

Submission:

Labcorp Genetics (formerly Invitae), Labcorp
Classification: Uncertain significance for Immunodeficiency 35. Last evaluated: 2023-11-27. Review status: criteria provided, single submitter. Criteria: Invitae Variant Classification Sherloc (09022015). Collection method: clinical testing. Allele origin: germline.
Comment: This sequence change replaces serine, which is neutral and polar, with cysteine, which is neutral and slightly polar, at codon 218 of the TYK2 protein (p.Ser218Cys). This variant is present in population databases (no rsID available, gnomAD 0.002%). This variant has not been reported in the literature in individuals affected with TYK2-related conditions. ClinVar contains an entry for this variant (Variation ID: 2139961). An algorithm developed to predict the effect of missense changes on protein structure and function (PolyPhen-2) suggests that this variant is likely to be tolerated. In summary, the available evidence is currently insufficient to determine the role of this variant in disease. Therefore, it has been classified as a Variant of Uncertain Significance.

NM_003331.5(TYK2):c.653C>G (p.Ser218Cys)

Gene: TYK2 (tyrosine kinase 2; minus strand). Cytogenetic location: 19p13.2.
Variant type: single nucleotide variant.
Coding change: c.653C>G on transcript NM_003331.5 (MANE Select); coding-DNA position 653, C replaced by G.
Protein change: p.Ser218Cys; replaces serine 218 with cysteine.
Molecular consequence: missense variant. On other transcripts: intron variant (1).
Genome position (GRCh38, 1-based): chr19:10,365,875, G>C on the plus strand (C>G on the coding strand, the complement: TYK2 is on the minus strand). VCF-style: chr19-10365875-G-C. GRCh37 (hg19) VCF-style: chr19-10476551-G-C.
Other names: c.653C>G, p.Ser218Cys (NM_001385197.1, NM_001385198.1, NM_001385199.1 and 8 more transcripts); c.630-67C>G (NM_001385205.1); short protein forms S218C.
Identifiers: ClinVar variation 2139961 (VCV002139961.4), dbSNP rs1264694020, ClinGen allele CA404017390.